The following is an entry in ClinVar:

NM_002439.5(MSH3):c.417A>T (p.Glu139Asp)

Gene: MSH3 (mutS homolog 3; plus strand). Cytogenetic location: 5q14.1.
Variant type: single nucleotide variant.
Coding change: c.417A>T on transcript NM_002439.5 (MANE Select); coding-DNA position 417, A replaced by T.
Protein change: p.Glu139Asp; replaces glutamic acid 139 with aspartic acid.
Molecular consequence: missense variant.
Genome position (GRCh38, 1-based): chr5:80,665,201, A>T. VCF-style: chr5-80665201-A-T. GRCh37 (hg19) VCF-style: chr5-79961020-A-T.
Other names: short protein forms E139D.
Identifiers: ClinVar variation 1020483 (VCV001020483.8), dbSNP rs1749541201, ClinGen allele CA360263270.

ClinVar aggregate classification (germline): Uncertain significance (1 of 4 stars; one submission).

Submission:

Labcorp Genetics (formerly Invitae), Labcorp
Classification: Uncertain significance. Last evaluated: 2020-07-16. Review status: criteria provided, single submitter. Criteria: Invitae Variant Classification Sherloc (09022015). Collection method: clinical testing. Allele origin: germline.
Comment: In summary, the available evidence is currently insufficient to determine the role of this variant in disease. Therefore, it has been classified as a Variant of Uncertain Significance. Algorithms developed to predict the effect of missense changes on protein structure and function (SIFT, PolyPhen-2, Align-GVGD) all suggest that this variant is likely to be tolerated, but these predictions have not been confirmed by published functional studies and their clinical significance is uncertain. This variant has not been reported in the literature in individuals with MSH3-related conditions. This variant is not present in population databases (ExAC no frequency). This sequence change replaces glutamic acid with aspartic acid at codon 139 of the MSH3 protein (p.Glu139Asp). The glutamic acid residue is moderately conserved and there is a small physicochemical difference between glutamic acid and aspartic acid.